The following is an entry in ClinVar:

NM_000548.5(TSC2):c.1132C>G (p.Pro378Ala)

Gene: TSC2 (TSC complex subunit 2; plus strand). Cytogenetic location: 16p13.3.
Variant type: single nucleotide variant.
Coding change: c.1132C>G on transcript NM_000548.5 (MANE Select); coding-DNA position 1132, C replaced by G.
Protein change: p.Pro378Ala; replaces proline 378 with alanine.
Molecular consequence: missense variant.
Genome position (GRCh38, 1-based): chr16:2,061,883, C>G. VCF-style: chr16-2061883-C-G. GRCh37 (hg19) VCF-style: chr16-2111884-C-G.
Other names: c.1132C>G, p.Pro378Ala (NM_001077183.3, NM_001114382.3, NM_001363528.2 and 3 more transcripts); c.1021C>G, p.Pro341Ala (NM_001318827.2); c.985C>G, p.Pro329Ala (NM_001318829.2); c.532C>G, p.Pro178Ala (NM_001318831.2); c.1165C>G, p.Pro389Ala (NM_001318832.2); c.1132C>G (NM_000548.3); short protein forms P178A, P329A, P378A, P341A, P389A.
Identifiers: ClinVar variation 1438227 (VCV001438227.7), dbSNP rs2151154104, ClinGen allele CA394319893.
Genomic context (GRCh38, chr16:2,061,883, plus strand): 5'-CATGTGGGGAGTGGAAGTCAGCCTGTGTCATCGTGCCTGGTACTGCAGACCTTGGACAGC[C>G]CGGAGCTCAGGACCATCGTCCATGACCTGTTGACCACGGTGGAGGAGCTGTGTGACCAGA-3'
Protein context (NP_000539.2, residues 368-388): LLQQLQTLDS[Pro378Ala]ELRTIVHDLL

ClinVar aggregate classification (germline): Uncertain significance. Review status: criteria provided, multiple submitters, no conflicts (2 of 4 stars). 2 submissions from 2 submitters: Uncertain significance (2). Last evaluated 2026-08-09.

Conditions:
Hereditary cancer-predisposing syndrome. Also called: Hereditary Cancer Syndrome; Neoplastic Syndromes, Hereditary; Hereditary neoplastic syndrome; Tumor predisposition. Identifiers: Orphanet 140162, MedGen C0027672, MeSH D009386, MONDO:0015356.
Tuberous sclerosis 2 (TSC2). Identifiers: Orphanet 805, MedGen C1860707, MONDO:0013199, OMIM 613254.

Submissions (2):

Ambry Genetics
Classification: Uncertain significance for Hereditary cancer-predisposing syndrome. Last evaluated: 2026-08-09. Review status: criteria provided, single submitter. Criteria: Ambry Variant Classification Scheme 2023. Collection method: clinical testing. Allele origin: germline.
Comment: The p.P378A variant (also known as c.1132C>G), located in coding exon 11 of the TSC2 gene, results from a C to G substitution at nucleotide position 1132. The proline at codon 378 is replaced by alanine, an amino acid with highly similar properties. This amino acid position is conserved. In addition, this alteration is predicted to be tolerated by in silico analysis. Based on the available evidence, the clinical significance of this variant remains unclear.

Labcorp Genetics (formerly Invitae), Labcorp
Classification: Uncertain significance for Tuberous sclerosis 2. Last evaluated: 2024-04-24. Review status: criteria provided, single submitter. Criteria: Invitae Variant Classification Sherloc (09022015). Collection method: clinical testing. Allele origin: germline.
Comment: This sequence change replaces proline, which is neutral and non-polar, with alanine, which is neutral and non-polar, at codon 378 of the TSC2 protein (p.Pro378Ala). This variant is not present in population databases (gnomAD no frequency). This variant has not been reported in the literature in individuals affected with TSC2-related conditions. ClinVar contains an entry for this variant (Variation ID: 1438227). Advanced modeling of protein sequence and biophysical properties (such as structural, functional, and spatial information, amino acid conservation, physicochemical variation, residue mobility, and thermodynamic stability) performed at Invitae indicates that this missense variant is not expected to disrupt TSC2 protein function with a negative predictive value of 95%. In summary, the available evidence is currently insufficient to determine the role of this variant in disease. Therefore, it has been classified as a Variant of Uncertain Significance.